The following is an entry in ClinVar:

NM_030930.4(UNC93B1):c.818A>G (p.Lys273Arg)

Gene: UNC93B1 (unc-93B1 regulator of TLR signaling; minus strand). Cytogenetic location: 11q13.2.
Variant type: single nucleotide variant.
Coding change: c.818A>G on transcript NM_030930.4 (MANE Select); coding-DNA position 818, A replaced by G.
Protein change: p.Lys273Arg; replaces lysine 273 with arginine.
Molecular consequence: missense variant.
Genome position (GRCh38, 1-based): chr11:67,997,763, T>C on the plus strand (A>G on the coding strand, the complement: UNC93B1 is on the minus strand). VCF-style: chr11-67997763-T-C. GRCh37 (hg19) VCF-style: chr11-67765233-T-C.
Other names: short protein forms K273R.
Identifiers: ClinVar variation 650779 (VCV000650779.7), dbSNP rs1318077413, ClinGen allele CA381573881.

ClinVar aggregate classification (germline): Uncertain significance (1 of 4 stars; one submission).

Conditions:
Encephalopathy, acute, infection-induced (herpes-specific), susceptibility to, 1. Also called: Herpes simplex encephalitis, susceptibility to, 1. Identifiers: Orphanet 1930, MedGen C2750180, MONDO:0024563, OMIM 610551.

Allele frequency attached by ClinVar (database versions not stated): gnomAD exomes below 0.00001.
gnomAD v4.1: 2 of 1,610,286 alleles (0.00012%); highest among the groups gnomAD compares: African/African-American, 0.0027%; no homozygotes.

Submission:

Labcorp Genetics (formerly Invitae), Labcorp
Classification: Uncertain significance for Encephalopathy, acute, infection-induced (herpes-specific), susceptibility to, 1. Last evaluated: 2025-07-30. Review status: criteria provided, single submitter. Criteria: Invitae Variant Classification Sherloc (09022015). Collection method: clinical testing. Allele origin: germline.
Comment: This sequence change replaces lysine, which is basic and polar, with arginine, which is basic and polar, at codon 273 of the UNC93B1 protein (p.Lys273Arg). This variant is present in population databases (no rsID available, gnomAD 0.007%). This variant has not been reported in the literature in individuals affected with UNC93B1-related conditions. ClinVar contains an entry for this variant (Variation ID: 650779). Experimental studies and prediction algorithms are not available or were not evaluated, and the functional significance of this variant is currently unknown. In summary, the available evidence is currently insufficient to determine the role of this variant in disease. Therefore, it has been classified as a Variant of Uncertain Significance.